The following is an entry in ClinVar:

NM_001166114.2(PNPLA6):c.945G>T (p.Gln315His)

Gene: PNPLA6 (patatin like domain 6, lysophospholipase; plus strand). Cytogenetic location: 19p13.2.
Variant type: single nucleotide variant.
Coding change: c.945G>T on transcript NM_001166114.2 (MANE Select); coding-DNA position 945, G replaced by T.
Protein change: p.Gln315His; replaces glutamine 315 with histidine.
Molecular consequence: missense variant.
Genome position (GRCh38, 1-based): chr19:7,541,374, G>T. VCF-style: chr19-7541374-G-T. GRCh37 (hg19) VCF-style: chr19-7606260-G-T.
Other names: c.972G>T, p.Gln324His (NM_001166111.2); c.828G>T, p.Gln276His (NM_001166112.2, NM_001166113.1, NM_006702.5); short protein forms Q276H, Q324H, Q315H.
Identifiers: ClinVar variation 2060604 (VCV002060604.4), dbSNP rs2512502612, ClinGen allele CA403107757.

ClinVar aggregate classification (germline): Uncertain significance (1 of 4 stars; one submission).

Conditions:
Hereditary spastic paraplegia 39 (SPG39). Also called: Spastic Paraplegia Type 39 (SPG39); SPASTIC PARAPLEGIA 39, AUTOSOMAL RECESSIVE. Identifiers: Orphanet 139480, MedGen C2677586, MONDO:0012787, OMIM 612020.

Submission:

Labcorp Genetics (formerly Invitae), Labcorp
Classification: Uncertain significance for Hereditary spastic paraplegia 39. Last evaluated: 2022-02-23. Review status: criteria provided, single submitter. Criteria: Invitae Variant Classification Sherloc (09022015). Collection method: clinical testing. Allele origin: germline.
Comment: This sequence change replaces glutamine, which is neutral and polar, with histidine, which is basic and polar, at codon 276 of the PNPLA6 protein (p.Gln276His). This variant is not present in population databases (gnomAD no frequency). This variant has not been reported in the literature in individuals affected with PNPLA6-related conditions. Algorithms developed to predict the effect of missense changes on protein structure and function are either unavailable or do not agree on the potential impact of this missense change (SIFT: "Tolerated"; PolyPhen-2: "Probably Damaging"; Align-GVGD: "Class C0"). In summary, the available evidence is currently insufficient to determine the role of this variant in disease. Therefore, it has been classified as a Variant of Uncertain Significance.